The following is an entry in ClinVar:

ClinVar aggregate classification (germline): Uncertain significance (1 of 4 stars; one submission).

Allele frequency attached by ClinVar (database versions not stated): gnomAD exomes below 0.00001; ExAC 0.00001; gnomAD 0.00002 and 0.00003; TOPMed 0.00005.

Submission:

Labcorp Genetics (formerly Invitae), Labcorp
Classification: Uncertain significance. Last evaluated: 2022-01-06. Review status: criteria provided, single submitter. Criteria: Invitae Variant Classification Sherloc (09022015). Collection method: clinical testing. Allele origin: germline.
Comment: In summary, the available evidence is currently insufficient to determine the role of this variant in disease. Therefore, it has been classified as a Variant of Uncertain Significance. Algorithms developed to predict the effect of missense changes on protein structure and function are either unavailable or do not agree on the potential impact of this missense change (SIFT: "Deleterious"; PolyPhen-2: "Probably Damaging"; Align-GVGD: "Class C0"). ClinVar contains an entry for this variant (Variation ID: 966120). This variant has not been reported in the literature in individuals affected with PCARE-related conditions. This variant is present in population databases (rs749485143, gnomAD 0.003%). This sequence change replaces serine, which is neutral and polar, with cysteine, which is neutral and slightly polar, at codon 498 of the PCARE protein (p.Ser498Cys).

NM_001029883.3(PCARE):c.1492A>T (p.Ser498Cys)

Gene: PCARE (photoreceptor cilium actin regulator; minus strand). Cytogenetic location: 2p23.2.
Variant type: single nucleotide variant.
Coding change: c.1492A>T on transcript NM_001029883.3 (MANE Select); coding-DNA position 1492, A replaced by T.
Protein change: p.Ser498Cys; replaces serine 498 with cysteine.
Molecular consequence: missense variant.
Genome position (GRCh38, 1-based): chr2:29,072,770, T>A on the plus strand (A>T on the coding strand, the complement: PCARE is on the minus strand). VCF-style: chr2-29072770-T-A. GRCh37 (hg19) VCF-style: chr2-29295636-T-A.
Other names: short protein forms S498C.
Identifiers: ClinVar variation 966120 (VCV000966120.7), dbSNP rs749485143, ClinGen allele CA1592411.